The following is an entry in ClinVar:

NM_000127.3(EXT1):c.757_760dup (p.Asn254fs)

Gene: EXT1 (exostosin glycosyltransferase 1; minus strand). Cytogenetic location: 8q24.11.
Variant type: Duplication.
Coding change: c.757_760dup on transcript NM_000127.3 (MANE Select); coding-DNA positions 757 to 760, 4 bases duplicated (TTCA; older notation c.757_760dupTTCA).
Protein change: p.Asn254fs; shifts the reading frame from asparagine 254.
Molecular consequence: frameshift variant.
Genome position (GRCh38, 1-based): chr8:118,110,287-118,110,290, TGAA duplicated on the plus strand (TTCA on the coding strand, the reverse complement: EXT1 is on the minus strand). VCF-style (leftmost placement, unchanged base first): chr8-118110286-T-TTGAA. GRCh37 (hg19) VCF-style: chr8-119122525-T-TTGAA.
Other names: short protein forms N254fs.
Identifiers: ClinVar variation 2813896 (VCV002813896.3), dbSNP rs2488050898, ClinGen allele CA2739268963.

ClinVar aggregate classification (germline): Pathogenic (1 of 4 stars; one submission).

Conditions:
Multiple congenital exostosis (EXT). Also called: Hereditary multiple exostoses; Hereditary multiple exostosis; Multiple osteochondromas; MULTIPLE CARTILAGINOUS EXOSTOSES; Multiple exostoses; Hereditary multiple osteochondromas. Identifiers: Orphanet 321, MedGen C0015306, MONDO:0005508, HP:0002762.

Submission:

Labcorp Genetics (formerly Invitae), Labcorp
Classification: Pathogenic for Multiple congenital exostosis. Last evaluated: 2022-11-12. Review status: criteria provided, single submitter. Criteria: Invitae Variant Classification Sherloc (09022015). Collection method: clinical testing. Allele origin: germline.
Comment: For these reasons, this variant has been classified as Pathogenic. This variant has not been reported in the literature in individuals affected with EXT1-related conditions. This variant is not present in population databases (gnomAD no frequency). This sequence change creates a premature translational stop signal (p.Asn254Ilefs*36) in the EXT1 gene. It is expected to result in an absent or disrupted protein product. Loss-of-function variants in EXT1 are known to be pathogenic (PMID: 10679937, 11391482, 19810120).

Literature cited by the submitters: PubMed 10679937; PubMed 11391482; PubMed 19810120.